The following is an entry in ClinVar:

ClinVar aggregate classification (germline): Likely benign (1 of 4 stars; one submission).

Allele frequency attached by ClinVar (database versions not stated): gnomAD exomes 0.00001; gnomAD 0.00002; TOPMed 0.00002.
gnomAD v4.1: 18 of 1,612,712 alleles (0.0011%); highest among the groups gnomAD compares: African/African-American, 0.0093%; no homozygotes.

Submission:

CeGaT Center for Human Genetics Tuebingen
Classification: Likely benign. Last evaluated: 2024-03-01. Review status: criteria provided, single submitter. Criteria: CeGaT Center For Human Genetics Tuebingen Variant Classification Criteria Version 2. Collection method: clinical testing. Allele origin: germline. Affected: yes. Observed: 2 variant alleles.
Comment: WDR81: BP4, BP7

NM_001163809.2(WDR81):c.5715G>A (p.Thr1905=)

Gene: WDR81 (WD repeat domain 81; plus strand). Cytogenetic location: 17p13.3.
Variant type: single nucleotide variant.
Coding change: c.5715G>A on transcript NM_001163809.2 (MANE Select); coding-DNA position 5715, G replaced by A.
Protein change: p.Thr1905=; no amino-acid change (threonine 1905 retained).
Molecular consequence: synonymous variant.
Genome position (GRCh38, 1-based): chr17:1,737,574, G>A. VCF-style: chr17-1737574-G-A. GRCh37 (hg19) VCF-style: chr17-1640868-G-A.
Other names: c.2106G>A, p.Thr702= (NM_001163673.2); c.2034G>A, p.Thr678= (NM_001163811.2); c.2562G>A, p.Thr854= (NM_152348.4).
Identifiers: ClinVar variation 2672676 (VCV002672676.23), dbSNP rs1033699843, ClinGen allele CA286804438.